The following is an entry in ClinVar:

NM_000552.5(VWF):c.2435del (p.Pro812fs)

Gene: VWF (von Willebrand factor; minus strand). Cytogenetic location: 12p13.31.
Variant type: Deletion.
Coding change: c.2435del on transcript NM_000552.5 (MANE Select); coding-DNA position 2435, one base deleted (C; older notation c.2435delC).
Protein change: p.Pro812fs; shifts the reading frame from proline 812.
Molecular consequence: frameshift variant.
Genome position (GRCh38, 1-based): chr12:6,044,298, G deleted on the plus strand (C on the coding strand, the reverse complement: VWF is on the minus strand); the first of 6 consecutive G bases (chr12:6,044,298-6,044,303); deleting any one gives the same sequence. VCF-style (leftmost placement, unchanged base first): chr12-6044297-CG-C. GRCh37 (hg19) VCF-style: chr12-6153463-CG-C.
Other names: p.P812R fs*31; c.2435del (NM_000552.4); c.2435delC (NM_000552.5); short protein forms P812fs.
Identifiers: ClinVar variation 303 (VCV000000303.55), dbSNP rs62643632, ClinGen allele CA114153.

ClinVar aggregate classification (germline): Pathogenic. Review status: criteria provided, multiple submitters, no conflicts (2 of 4 stars). 20 submissions from 18 submitters: Pathogenic (14). 6 of the submissions do not count toward it. Last evaluated 2026-07-13.

Conditions:
von Willebrand disorder (VWD). Also called: Von Willebrand disease (hereditary or acquired); von Willebrand's disease; von Willebrand Diseases. Identifiers: MedGen C0042974, MeSH D014842, MONDO:0024574.
von Willebrand disease type 2 (VWD2). Also called: VWD, TYPE 2; VON WILLEBRAND DISEASE, TYPE 2A/IIE; VON WILLEBRAND DISEASE, TYPE 2CB; VON WILLEBRAND DISEASE, TYPE II. Identifiers: Orphanet 166081, Orphanet 903, MedGen C1264040, MONDO:0013304, OMIM 613554.
von Willebrand disease type 1 (VWD1). Also called: VWD, TYPE 1; VON WILLEBRAND DISEASE, TYPE I. Identifiers: Orphanet 166078, Orphanet 903, MedGen C1264039, MONDO:0008668, OMIM 193400. Inheritance: autosomal recessive or autosomal dominant.
von Willebrand disease type 3 (VWD3). Also called: Type 3 Von Willebrand's disease; Type 3 VWD; Von Willebrand disease, severe form; V WD3; VON WILLEBRAND DISEASE, TYPE III. Identifiers: Orphanet 166096, MedGen C1264041, MONDO:0010191, OMIM 277480.
Hereditary von Willebrand disease. Identifiers: Orphanet 903, MedGen C5703318, MONDO:0019565. Inheritance: Autosomal recessive or Autosomal dominant.
Abnormal bleeding. Also called: Bleeding diathesis. Identifiers: MedGen C1458140, HP:0001892.

Submissions (20):

Institute of Human Genetics, University of Leipzig Medical Center
Classification: Pathogenic for von Willebrand disease type 1. Last evaluated: 2026-07-13. Review status: criteria provided, single submitter. Criteria: ACMG Guidelines, 2015. Collection method: clinical testing. Allele origin: paternal. Affected: yes.
Comment: Criteria applied: PVS1,PS3_MOD,PS4

Center for Genomic Medicine, Rigshospitalet, Copenhagen University Hospital
Classification: Pathogenic. Last evaluated: 2025-12-29. Review status: criteria provided, single submitter. Criteria: ACMG Guidelines, 2015. Collection method: clinical testing. Allele origin: germline.
Comment: Classification criteria: PVS1, PM2_Supporting, PS4_Moderate, PP4

Women's Health and Genetics/Laboratory Corporation of America, LabCorp
Classification: Pathogenic for von Willebrand disorder. Last evaluated: 2025-10-30. Review status: criteria provided, single submitter. Criteria: LabCorp Variant Classification Summary - May 2015. Collection method: clinical testing. Allele origin: germline.
Comment: Variant summary: VWF c.2435delC (p.Pro812ArgfsX31) results in a premature termination codon, predicted to cause absence of the protein due to nonsense mediated decay, which is a commonly known mechanism for disease. The variant allele was found at a frequency of 0.00011 in 250878 control chromosomes. This frequency is not significantly higher than estimated for disease-causing variants in VWF, allowing no conclusion about variant significance. c.2435delC has been observed in multiple individuals affected with Von Willebrand Disease (vWD) type 1 and 3, including at-least one homozgyous case with vWD type 3, whose carrier mother was mildly affected (Gindele_2021), and at a heterozygous state in three members from a family with vWD type 1, and the proband in this family also carried a VUS variant in VWF (Flood_2012). These data indicate that the variant is very likely to be associated with disease. At least one publication reports experimental evidence evaluating an impact on protein function. The most pronounced variant effect results in non-detectable VWF or VWF propeptide in cell culture supernatant (Flood_2012). The following publications have been ascertained in the context of this evaluation (PMID: 22507569, 33807613). ClinVar contains an entry for this variant (Variation ID: 303). Based on the evidence outlined above, the variant was classified as pathogenic.

ARUP Laboratories, Molecular Genetics and Genomics, ARUP Laboratories
Classification: Pathogenic. Last evaluated: 2025-03-18. Review status: criteria provided, single submitter. Criteria: ARUP Molecular Germline Variant Investigation Process 2024. Collection method: clinical testing. Allele origin: germline.
Comment: The VWF c.2435del; p.Pro812Argfs*31 variant (rs62643632; ClinVar Variation ID: 303), is the index variant for von Willebrand disease (VWD) associated with VWD type 3, and is considered a founder variant in Baltic populations (Jokela 2013, Zhang 1993). This variant causes a frameshift by deleting a single nucleotide, and a functional study has shown no protein expression from the affected allele, suggesting the mRNA is subject to nonsense-mediated decay (Flood 2012). Based on available information, this variant is considered to be pathogenic. REFERENCES: Flood VH et al. Critical von Willebrand factor A1 domain residues influence type VI collagen binding. J Thromb Haemost. 2012 Jul;10(7):1417-24. PMID: 22507569. Jokela V et al. Phenotypic and genotypic characterization of 10 Finnish patients with von Willebrand disease type 3: discovery of two main mutations. Haemophilia. 2013 Nov;19(6):e344-8. PMID: 23834637. Zhang ZP et al. Mutations of von Willebrand factor gene in families with von Willebrand disease in the Aland Islands. Proc Natl Acad Sci U S A. 1993 Sep 1;90(17):7937-40. PMID: 8367445.

Laboratory of Genetics, Children's Clinical University Hospital Latvia
Classification: Pathogenic. Last evaluated: 2025-02-16. Review status: criteria provided, single submitter. Criteria: ACMG Guidelines, 2015. Collection method: clinical testing. Allele origin: germline. Affected: yes.

Institute of Human Genetics, University of Leipzig Medical Center
Classification: Pathogenic for von Willebrand disease type 2. Last evaluated: 2024-12-11. Review status: criteria provided, single submitter. Criteria: ACMG Guidelines, 2015. Collection method: clinical testing. Allele origin: unknown. Inheritance: Autosomal recessive inheritance. Affected: yes.
Comment: Criteria applied: PVS1,PM3,PM2_SUP; Identified as compund heterozygous with NM_000552.5:c.2561G>A

Institute of Immunology and Genetics Kaiserslautern
Classification: Pathogenic for von Willebrand disease type 1. Last evaluated: 2024-03-09. Review status: criteria provided, single submitter. Criteria: ACMG Guidelines, 2015. Collection method: clinical testing. Allele origin: germline. Affected: yes.
Comment: ACMG Criteria: PVS1, PM2, PP5; Variant was found in heterozygous state

Quest Diagnostics Nichols Institute San Juan Capistrano
Classification: Pathogenic. Last evaluated: 2023-03-09. Review status: criteria provided, single submitter. Criteria: Quest Diagnostics criteria. Collection method: clinical testing. Allele origin: unknown.
Comment: This frameshift variant alters the translational reading frame of the VWF mRNA and causes the premature termination of VWF protein synthesis. The frequency of this variant in the general population, 0.00054 (14/26126 chromosomes), is consistent with pathogenicity. In the published literature, the variant has been described as a common mutation in the Swedish and Finnish populations (PMIDs: 1302613 (1992), 23834637 (2013)), reported in heterozygous patients with vWD type I (PMIDs: 16985174 (2007), 17190853 (2007)), and in homozygous or compound heterozygous patients with vWD type III (PMIDs: 23834637 (2013), 29427305 (2018), 35343054 (2022)). Based on the available information, this variant is classified as pathogenic.

CeGaT Center for Human Genetics Tuebingen
Classification: Pathogenic. Last evaluated: 2022-05-01. Review status: criteria provided, single submitter. Criteria: CeGaT Center For Human Genetics Tuebingen Variant Classification Criteria Version 2. Collection method: clinical testing. Allele origin: germline. Affected: yes. Observed: 1 variant allele.
Comment: VWF: PVS1, PM2

Fulgent Genetics
Classification: Pathogenic for von Willebrand disease type 1; von Willebrand disease type 3; von Willebrand disease type 2. Last evaluated: 2022-03-08. Review status: criteria provided, single submitter. Criteria: ACMG Guidelines, 2015. Collection method: clinical testing. Allele origin: unknown.

Laboratory of Hematology, Radboud University Medical Center
Classification: Pathogenic for von Willebrand disease type 1. Last evaluated: 2020-12-10. Review status: criteria provided, single submitter. Criteria: ACMG Guidelines, 2015. Collection method: research. Allele origin: germline. Affected: yes. Observed: 2 variant alleles. Study: WIN study.

NIHR Bioresource Rare Diseases, University of Cambridge
Classification: Pathogenic for von Willebrand disorder. Last evaluated: 2019-02-01. Review status: criteria provided, single submitter. Criteria: ACMG Guidelines, 2015. Collection method: research. Allele origin: unknown. Affected: yes. Observed: 1 heterozygote. Study: ThromboGenomics.

NIHR Bioresource Rare Diseases, University of Cambridge
Classification: Pathogenic for Abnormal bleeding. Last evaluated: 2019-02-01. Review status: criteria provided, single submitter. Criteria: ACMG Guidelines, 2015. Collection method: research. Allele origin: unknown. Affected: yes. Observed: 1 heterozygote. Study: ThromboGenomics.

Eurofins Ntd Llc (ga)
Classification: Pathogenic. Last evaluated: 2018-04-10. Review status: criteria provided, single submitter. Criteria: EGL ClinVar v180209 classification definitions. Collection method: clinical testing. Allele origin: germline. Observed: 1 variant allele, 1 heterozygote.

Angelo Bianchi Bonomi Hemophilia and Thrombosis Center, Fondazione IRCCS Ca Granda Ospedale Maggiore Policlinico
Classification: Pathogenic for von Willebrand disease type 3. Last evaluated: 2021-04-12. Review status: no assertion criteria provided. Collection method: clinical testing. Allele origin: germline. Affected: yes. Study: Type 3 Von Willebrand International Registries Inhibitor Prospective Study (3WINTERS-IPS). Not counted in ClinVar's aggregate classification.

OMIM
Classification: Pathogenic for VON WILLEBRAND DISEASE, TYPE 3. Last evaluated: 1993-12-20. Review status: no assertion criteria provided. Collection method: literature only. Allele origin: germline. Not counted in ClinVar's aggregate classification.

Academic Unit of Haematology, University of Sheffield
No classification provided. Review status: no classification provided. Collection method: not provided. Allele origin: not provided. Not counted in ClinVar's aggregate classification.

Clinical Genetics DNA and cytogenetics Diagnostics Lab, Erasmus MC, Erasmus Medical Center
Classification: Pathogenic. Review status: no assertion criteria provided. Collection method: clinical testing. Allele origin: germline. Affected: yes. Study: VKGL Data-share Consensus. Not counted in ClinVar's aggregate classification.

GeneReviews
No classification provided. Condition: von Willebrand disorder. Review status: no classification provided. Collection method: literature only. Allele origin: germline. Not counted in ClinVar's aggregate classification.

Genome Diagnostics Laboratory, University Medical Center Utrecht
Classification: Pathogenic. Review status: no assertion criteria provided. Collection method: clinical testing. Allele origin: germline. Affected: yes. Study: VKGL Data-share Consensus. Not counted in ClinVar's aggregate classification.

Literature cited by the submitters: PubMed 33807613 (cited by Women's Health and Genetics/Laboratory Corporation of America, LabCorp); PubMed 22507569 (cited by Women's Health and Genetics/Laboratory Corporation of America, LabCorp and Quest Diagnostics Nichols Institute San Juan Capistrano); PubMed 31064749 (cited by Quest Diagnostics Nichols Institute San Juan Capistrano and NIHR Bioresource Rare Diseases, University of Cambridge); PubMed 8367445 (cited by Quest Diagnostics Nichols Institute San Juan Capistrano and OMIM); PubMed 8165603 (cited by Quest Diagnostics Nichols Institute San Juan Capistrano and OMIM); PubMed 35343054 (cited by Quest Diagnostics Nichols Institute San Juan Capistrano); PubMed 23834637 (cited by Quest Diagnostics Nichols Institute San Juan Capistrano); PubMed 29427305 (cited by Quest Diagnostics Nichols Institute San Juan Capistrano); PubMed 21362127 (cited by Quest Diagnostics Nichols Institute San Juan Capistrano); PubMed 20851871 (cited by Quest Diagnostics Nichols Institute San Juan Capistrano); PubMed 7989040 (cited by Quest Diagnostics Nichols Institute San Juan Capistrano); PubMed 16985174 (cited by Quest Diagnostics Nichols Institute San Juan Capistrano); PubMed 17190853 (cited by Quest Diagnostics Nichols Institute San Juan Capistrano); PubMed 1302613 (cited by Quest Diagnostics Nichols Institute San Juan Capistrano and OMIM); von Willebrand, E. A. Hereditar pseudohemofili. Finska Lakar. Hand. 68: 87-112, 1926. (cited by OMIM); PubMed 1301136 (cited by OMIM); NCBI Bookshelf NBK7014 (cited by GeneReviews).